The following is an entry in ClinVar:

ClinVar aggregate classification (germline): Uncertain significance (1 of 4 stars; one submission).

Conditions:
Cardiovascular phenotype. Identifiers: MedGen CN230736.

Submission:

Ambry Genetics
Classification: Uncertain significance for Cardiovascular phenotype. Last evaluated: 2024-01-01. Review status: criteria provided, single submitter. Criteria: Ambry Variant Classification Scheme 2023. Collection method: clinical testing. Allele origin: germline.
Comment: The p.P105T variant (also known as c.313C>A), located in coding exon 1 of the ZNF469 gene, results from a C to A substitution at nucleotide position 313. The proline at codon 105 is replaced by threonine, an amino acid with highly similar properties. This amino acid position is conserved. In addition, this alteration is predicted to be tolerated by in silico analysis. Since supporting evidence is limited at this time, the clinical significance of this alteration remains unclear.

NM_001367624.2(ZNF469):c.313C>A (p.Pro105Thr)

Gene: ZNF469 (zinc finger protein 469; plus strand). Cytogenetic location: 16q24.2.
Variant type: single nucleotide variant.
Coding change: c.313C>A on transcript NM_001367624.2 (MANE Select); coding-DNA position 313, C replaced by A.
Protein change: p.Pro105Thr; replaces proline 105 with threonine.
Molecular consequence: missense variant.
Genome position (GRCh38, 1-based): chr16:88,427,783, C>A. VCF-style: chr16-88427783-C-A. GRCh37 (hg19) VCF-style: chr16-88494191-C-A.
Other names: NM_001127464.1:c.313C>A; short protein forms P105T.
Identifiers: ClinVar variation 3232782 (VCV003232782.1), dbSNP rs2507570783, ClinGen allele CA397059074.